The following is an entry in ClinVar:

ClinVar aggregate classification (germline): Uncertain significance (1 of 4 stars; one submission).

Conditions:
Multiple congenital exostosis (EXT). Also called: Hereditary multiple osteochondromas; Multiple osteochondromas; MULTIPLE CARTILAGINOUS EXOSTOSES; Multiple exostoses; Hereditary multiple exostoses; Hereditary multiple exostosis. Identifiers: Orphanet 321, MedGen C0015306, MONDO:0005508, HP:0002762.

Submission:

Labcorp Genetics (formerly Invitae), Labcorp
Classification: Uncertain significance for Multiple congenital exostosis. Last evaluated: 2025-01-11. Review status: criteria provided, single submitter. Criteria: Invitae Variant Classification Sherloc (09022015). Collection method: clinical testing. Allele origin: germline.
Comment: This sequence change disrupts the translational stop signal of the EXT1 mRNA. It is expected to extend the length of the EXT1 protein by 40 additional amino acid residues. This variant is not present in population databases (gnomAD no frequency). This variant has not been reported in the literature in individuals affected with EXT1-related conditions. Experimental studies and prediction algorithms are not available or were not evaluated, and the functional significance of this variant is currently unknown. In summary, the available evidence is currently insufficient to determine the role of this variant in disease. Therefore, it has been classified as a Variant of Uncertain Significance.

NM_000127.3(EXT1):c.2239dup (p.Ter747LeuextTer?)

Gene: EXT1 (exostosin glycosyltransferase 1; minus strand). Cytogenetic location: 8q24.11.
Variant type: Duplication.
Coding change: c.2239dup on transcript NM_000127.3 (MANE Select); coding-DNA position 2239, one base duplicated (T; older notation c.2239dupT).
Protein change: p.Ter747LeuextTer?.
Molecular consequence: frameshift variant, stop lost.
Genome position (GRCh38, 1-based): chr8:117,799,714, A duplicated on the plus strand (T on the coding strand, the reverse complement: EXT1 is on the minus strand); the first of 3 consecutive A bases (chr8:117,799,714-117,799,716); duplicating any one gives the same sequence. VCF-style (leftmost placement, unchanged base first): chr8-117799713-C-CA. GRCh37 (hg19) VCF-style: chr8-118811952-C-CA.
Identifiers: ClinVar variation 3728816 (VCV003728816.2).